The following is an entry in ClinVar:

ClinVar aggregate classification (germline): Uncertain significance. Review status: criteria provided, single submitter (1 of 4 stars). 2 submissions from 2 submitters: Uncertain significance (1). 1 of the submissions does not count toward it. Last evaluated 2021-08-30.

Conditions:
Zellweger spectrum disorders (ZS). Also called: Zellweger syndrome; Zellweger Spectrum Disorder; Zellweger Spectrum; Zellweger Spectrum Disorder (ZSD). Identifiers: Orphanet 912, MedGen C0043459, MONDO:0019609.

Allele frequency attached by ClinVar (database versions not stated): gnomAD exomes below 0.00001.
gnomAD v4.1: 2 of 1,590,184 alleles (0.00013%); highest among the groups gnomAD compares: South Asian, 0.0011%; no homozygotes.

Submissions (2):

Labcorp Genetics (formerly Invitae), Labcorp
Classification: Uncertain significance for Zellweger spectrum disorders. Last evaluated: 2021-08-30. Review status: criteria provided, single submitter. Criteria: Invitae Variant Classification Sherloc (09022015). Collection method: clinical testing. Allele origin: germline.
Comment: This sequence change replaces asparagine with serine at codon 23 of the PEX1 protein (p.Asn23Ser). The asparagine residue is moderately conserved and there is a small physicochemical difference between asparagine and serine. This variant is not present in population databases (ExAC no frequency). This variant has not been reported in the literature in individuals affected with PEX1-related conditions. Algorithms developed to predict the effect of missense changes on protein structure and function (SIFT, PolyPhen-2, Align-GVGD) all suggest that this variant is likely to be tolerated. Algorithms developed to predict the effect of sequence changes on RNA splicing suggest that this variant may create or strengthen a splice site. In summary, the available evidence is currently insufficient to determine the role of this variant in disease. Therefore, it has been classified as a Variant of Uncertain Significance.

Natera, Inc.
Classification: Uncertain significance for Zellweger syndrome. Last evaluated: 2018-09-15. Review status: no assertion criteria provided. Collection method: clinical testing. Allele origin: germline. Not counted in ClinVar's aggregate classification.

NM_000466.3(PEX1):c.68A>G (p.Asn23Ser)

Genes: PEX1 (peroxisomal biogenesis factor 1; minus strand), LOC129998796 (ATAC-STARR-seq lymphoblastoid silent region 18372; plus strand). Cytogenetic location: 7q21.2.
Variant type: single nucleotide variant.
Coding change: c.68A>G on transcript NM_000466.3 (MANE Select); coding-DNA position 68, A replaced by G.
Protein change: p.Asn23Ser; replaces asparagine 23 with serine.
Molecular consequence: missense variant. On other transcripts: 5 prime UTR variant (1).
Genome position (GRCh38, 1-based): chr7:92,528,368, T>C on the plus strand (A>G on the coding strand, the complement: PEX1 is on the minus strand). VCF-style: chr7-92528368-T-C. GRCh37 (hg19) VCF-style: chr7-92157682-T-C.
Other names: c.68A>G, p.Asn23Ser (NM_001282677.2); c.-592A>G (NM_001282678.2); short protein forms N23S.
Identifiers: ClinVar variation 999512 (VCV000999512.10), dbSNP rs1793399605, ClinGen allele CA368207422.